The following is an entry in ClinVar:

NM_205768.3(ZBTB18):c.133C>T (p.Arg45Ter)

Gene: ZBTB18 (zinc finger and BTB domain containing 18; plus strand). Cytogenetic location: 1q44.
Variant type: single nucleotide variant.
Coding change: c.133C>T on transcript NM_205768.3 (MANE Select); coding-DNA position 133, C replaced by T.
Protein change: p.Arg45Ter; replaces arginine 45 with a stop codon.
Molecular consequence: nonsense.
Genome position (GRCh38, 1-based): chr1:244,053,907, C>T. VCF-style: chr1-244053907-C-T. GRCh37 (hg19) VCF-style: chr1-244217209-C-T.
Other names: c.106C>T, p.Arg36Ter (NM_001278196.2, NM_006352.5); short protein forms R45*, R36*.
Identifiers: ClinVar variation 225923 (VCV000225923.3), dbSNP rs1085307109, ClinGen allele CA345672208.

ClinVar aggregate classification (germline): Pathogenic. Review status: criteria provided, multiple submitters, no conflicts (2 of 4 stars). 3 submissions from 3 submitters: Pathogenic (3). Last evaluated 2021-12-14.

Conditions:
Intellectual developmental disorder, autosomal dominant 22. Also called: Intellectual disability, autosomal dominant 22. Identifiers: MedGen CN029689, MONDO:0012869, OMIM 612337.

Submissions (3):

Medical Genetics Center, Maternal and Child Health Hospital of Hubei Province
Classification: Pathogenic for Intellectual developmental disorder, autosomal dominant 22. Last evaluated: 2021-12-14. Review status: criteria provided, single submitter. Criteria: ACMG Guidelines, 2015. Collection method: clinical testing. Allele origin: maternal. Affected: yes.
Comment: PS2 + PVS1_Strong + PM2

GeneDx
Classification: Pathogenic. Last evaluated: 2016-02-09. Review status: criteria provided, single submitter. Criteria: GeneDx Variant Classification (06012015). Collection method: clinical testing. Allele origin: germline. Affected: yes.
Comment: The R45X variant in the ZBTB18 gene has not been reported previously as a pathogenic variant nor as a benign variant, to our knowledge. This variant is predicted to cause loss of normal protein function through protein truncation. A pathogenic protein truncating variant (E133X) has been reported in the Human Gene Mutation Database in association with a ZBTB18-related disorder (Stenson et al., 2014), supporting the pathogenicity of more upstream truncating variants. The R45X variant was not observed in approximately 6500 individuals of European and African American ancestry in the NHLBI Exome Sequencing Project, indicating it is not a common benign variant in these populations. We interpret R45X as a pathogenic variant.

Genomic Medicine Lab, University of California San Francisco
Classification: Pathogenic for Intellectual developmental disorder, autosomal dominant 22. Review status: criteria provided, single submitter. Criteria: ACMG Guidelines, 2015. Collection method: clinical testing. Allele origin: de novo. Study: CSER.

Literature cited by the submitters: PubMed 27598823 (cited by Medical Genetics Center, Maternal and Child Health Hospital of Hubei Province and GeneDx).